The following is an entry in ClinVar:

NM_024649.5(BBS1):c.837C>T (p.Ser279=)

Genes: BBS1 (Bardet-Biedl syndrome 1; plus strand), ZDHHC24 (zDHHC palmitoyltransferase 24; minus strand). Cytogenetic location: 11q13.2.
Variant type: single nucleotide variant.
Coding change: c.837C>T on transcript NM_024649.5 (MANE Select); coding-DNA position 837, C replaced by T.
Protein change: p.Ser279=; no amino-acid change (serine 279 retained).
Molecular consequence: synonymous variant. On other transcripts: intron variant (1).
Genome position (GRCh38, 1-based): chr11:66,523,462, C>T. VCF-style: chr11-66523462-C-T. GRCh37 (hg19) VCF-style: chr11-66290933-C-T.
Other names: c.*22-1996G>A (NM_001348571.2).
Identifiers: ClinVar variation 1576751 (VCV001576751.9), dbSNP rs2134794684, ClinGen allele CA475491980.

ClinVar aggregate classification (germline): Likely benign. Review status: criteria provided, single submitter (1 of 4 stars). 2 submissions from 2 submitters: Likely benign (1). 1 of the submissions does not count toward it. Last evaluated 2025-10-19.

Conditions:
BBS1-related disorder. Also called: BBS1-related condition.
Bardet-Biedl syndrome (BBS). Identifiers: Orphanet 110, MedGen C0752166, MONDO:0015229.

Allele frequency attached by ClinVar (database versions not stated): gnomAD exomes below 0.00001.
gnomAD v4.1: 2 of 1,614,114 alleles (0.00012%); highest among the groups gnomAD compares: Non-Finnish European, 0.000085%; no homozygotes.

Submissions (2):

Labcorp Genetics (formerly Invitae), Labcorp
Classification: Likely benign for Bardet-Biedl syndrome. Last evaluated: 2025-10-19. Review status: criteria provided, single submitter. Criteria: Invitae Variant Classification Sherloc (09022015). Collection method: clinical testing. Allele origin: germline.

PreventionGenetics, part of Exact Sciences
Classification: Likely benign for BBS1-related condition. Last evaluated: 2021-09-14. Review status: no assertion criteria provided. Collection method: clinical testing. Allele origin: germline. Not counted in ClinVar's aggregate classification.
Comment: This variant is classified as likely benign based on ACMG/AMP sequence variant interpretation guidelines (Richards et al. 2015 PMID: 25741868, with internal and published modifications).